The following is an entry in ClinVar:

GRCh38/hg38 16p11.2(chr16:29584162-30181038)x3

Genes: ALDOA (aldolase, fructose-bisphosphate A; plus strand), ASPHD1 (aspartate beta-hydroxylase domain containing 1; plus strand), C16orf54 (chromosome 16 open reading frame 54; minus strand), CDIPT (CDP-diacylglycerol--inositol 3-phosphatidyltransferase; minus strand), CDIPTOSP (CDIP transferase opposite strand, pseudogene; plus strand) and 97 more. Cytogenetic location: 16p11.2.
Variant type: copy number gain.
Change: copy number 3 (three copies instead of two) of chr16:29,584,162-30,181,038 (596.9 kb, GRCh38 coordinates, 1-based), cytogenetic band 16p11.2.
Identifiers: ClinVar variation 4852036 (VCV004852036.1).

ClinVar aggregate classification (germline): Pathogenic (1 of 4 stars; one submission).

Submission:

Clinical Genomics Laboratory, Laboratory for Precision Diagnostics, University of Washington
Classification: Pathogenic. Last evaluated: 2022-06-09. Review status: criteria provided, single submitter. Criteria: ACMG/ClinGen CNV Guidelines, 2019. Collection method: clinical testing. Allele origin: de novo. Affected: yes. Observed: 1 variant allele.
Comment: This duplication is approximately 597 kb in size and contains 26 protein-coding genes, including TBX6. The 16p11.2 duplication syndrome is associated with delays in speech and language development, hypotonia and delay in motor skills (sitting, moving, walking), increased likelihood of difficulty learning and cognitive disability, increased likelihood of behavior problems and autism spectrum disorder, increased chance of seizures, and small head size. This duplication has also been implicated in being underweight. Incomplete penetrance has been observed.

Literature cited by the submitters: PubMed 26629640; PubMed 32993859; PubMed 27207092; PubMed 27410714; PubMed 21881559.